The following is an entry in ClinVar:

NM_000321.3(RB1):c.-6G>A

Gene: RB1 (RB transcriptional corepressor 1; plus strand). Cytogenetic location: 13q14.2.
Variant type: single nucleotide variant.
Coding change: c.-6G>A on transcript NM_000321.3 (MANE Select); 6 bases upstream of the start codon, G replaced by A.
Molecular consequence: 5 prime UTR variant.
Genome position (GRCh38, 1-based): chr13:48,303,907, G>A. VCF-style: chr13-48303907-G-A. GRCh37 (hg19) VCF-style: chr13-48878043-G-A.
Other names: c.-6G>A (NM_001407165.1, NM_001407166.1, NM_001407167.1).
Identifiers: ClinVar variation 3667172 (VCV003667172.2).

ClinVar aggregate classification (germline): Uncertain significance (1 of 4 stars; one submission).

Conditions:
Retinoblastoma (RB1). Also called: RETINOBLASTOMA, SOMATIC. Identifiers: Orphanet 790, MedGen C0035335, MeSH D012175, MONDO:0008380, OMIM 180200, HP:0009919. Disease mechanism: loss of function. Inheritance: Both sporadic and heritable forms are tested..

Submission:

Labcorp Genetics (formerly Invitae), Labcorp
Classification: Uncertain significance for Retinoblastoma. Last evaluated: 2025-09-30. Review status: criteria provided, single submitter. Criteria: Invitae Variant Classification Sherloc (09022015). Collection method: clinical testing. Allele origin: germline.
Comment: This variant occurs in a non-coding region of the RB1 gene. It does not change the encoded amino acid sequence of the RB1 protein. This variant is not present in population databases (gnomAD no frequency). This variant has not been reported in the literature in individuals affected with RB1-related conditions. ClinVar contains an entry for this variant (Variation ID: 3667172). In summary, the available evidence is currently insufficient to determine the role of this variant in disease. Therefore, it has been classified as a Variant of Uncertain Significance.